The following is an entry in ClinVar:

NM_022124.6(CDH23):c.9280_9286del

Gene: CDH23 (cadherin related 23; plus strand). Cytogenetic location: 10q22.1.
Variant type: Deletion.
Coding change: c.9280_9286del on transcript NM_022124.6 (MANE Select); coding-DNA positions 9280 to 9286, 7 bases deleted (CACAAGA; older notation c.9280_9286delCACAAGA).
Genome position (GRCh38, 1-based): chr10:71,811,714-71,811,720, CACAAGA deleted; deleting any 7 consecutive bases within chr10:71,811,711-71,811,720 gives the same sequence; the c. name uses the placement nearest the transcript's 3' end. VCF-style (leftmost placement, unchanged base first): chr10-71811710-CAGACACA-C. GRCh37 (hg19) VCF-style: chr10-73571467-CAGACACA-C.
Identifiers: ClinVar variation 1393120 (VCV001393120.7), dbSNP rs2133002929, ClinGen allele CA2573145316.

ClinVar aggregate classification (germline): Pathogenic/Likely pathogenic. Review status: criteria provided, multiple submitters, no conflicts (2 of 4 stars). 2 submissions from 2 submitters: Pathogenic (1); Likely pathogenic (1). Last evaluated 2024-05-12.

Conditions:
Usher syndrome type 1D (USH1D). Also called: USHER SYNDROME, TYPE ID. Identifiers: Orphanet 231169, Orphanet 886, MedGen C1832845, MONDO:0010984, OMIM 601067.
Autosomal recessive nonsyndromic hearing loss 12. Also called: DEAFNESS, AUTOSOMAL RECESSIVE 12. Identifiers: Orphanet 90636, MedGen C1832394, MONDO:0011067, OMIM 601386.
Pituitary adenoma 5, multiple types. Identifiers: MedGen C4539685, MONDO:0054601, OMIM 617540.

Submissions (2):

Labcorp Genetics (formerly Invitae), Labcorp
Classification: Pathogenic. Last evaluated: 2024-05-12. Review status: criteria provided, single submitter. Criteria: Invitae Variant Classification Sherloc (09022015). Collection method: clinical testing. Allele origin: germline.
Comment: This sequence change creates a premature translational stop signal (p.His3094Glyfs*61) in the CDH23 gene. It is expected to result in an absent or disrupted protein product. Loss-of-function variants in CDH23 are known to be pathogenic (PMID: 11138009, 21940737). This variant is not present in population databases (gnomAD no frequency). This variant has not been reported in the literature in individuals affected with CDH23-related conditions. ClinVar contains an entry for this variant (Variation ID: 1393120). Algorithms developed to predict the effect of sequence changes on RNA splicing suggest that this variant may disrupt the consensus splice site. For these reasons, this variant has been classified as Pathogenic.

Fulgent Genetics
Classification: Likely pathogenic for Usher syndrome type 1D; Autosomal recessive nonsyndromic hearing loss 12; Pituitary adenoma 5, multiple types. Last evaluated: 2024-03-20. Review status: criteria provided, single submitter. Criteria: ACMG Guidelines, 2015. Collection method: clinical testing. Allele origin: germline.

Literature cited by the submitters: PubMed 11138009 (cited by Labcorp Genetics (formerly Invitae), Labcorp); PubMed 21940737 (cited by Labcorp Genetics (formerly Invitae), Labcorp).